The following is an entry in ClinVar:

ClinVar aggregate classification (germline): Likely pathogenic (1 of 4 stars; one submission).

Conditions:
Mosaic variegated aneuploidy syndrome 1 (MVA1). Also called: Warburton-Anyane-Yeboa syndrome. Identifiers: Orphanet 1052, MedGen C1850343, MONDO:0009759, OMIM 257300.

Submission:

Labcorp Genetics (formerly Invitae), Labcorp
Classification: Likely pathogenic for Mosaic variegated aneuploidy syndrome 1. Last evaluated: 2024-05-07. Review status: criteria provided, single submitter. Criteria: Invitae Variant Classification Sherloc (09022015). Collection method: clinical testing. Allele origin: germline.
Comment: This sequence change affects an acceptor splice site in intron 7 of the BUB1B gene. It is expected to disrupt RNA splicing. Variants that disrupt the donor or acceptor splice site typically lead to a loss of protein function (PMID: 16199547), and loss-of-function variants in BUB1B are known to be pathogenic (PMID: 15475955, 21190457). This variant is not present in population databases (gnomAD no frequency). This variant has not been reported in the literature in individuals affected with BUB1B-related conditions. ClinVar contains an entry for this variant (Variation ID: 863360). Algorithms developed to predict the effect of sequence changes on RNA splicing suggest that this variant may disrupt the consensus splice site. In summary, the currently available evidence indicates that the variant is pathogenic, but additional data are needed to prove that conclusively. Therefore, this variant has been classified as Likely Pathogenic.

Literature cited by the submitters: PubMed 16199547; PubMed 15475955; PubMed 21190457.

NM_001211.6(BUB1B):c.967-2A>T

Gene: BUB1B (BUB1 mitotic checkpoint serine/threonine kinase B; plus strand). Cytogenetic location: 15q15.1.
Variant type: single nucleotide variant.
Coding change: c.967-2A>T on transcript NM_001211.6 (MANE Select); the canonical splice acceptor site of the intron before coding-DNA position 967, A replaced by T.
Molecular consequence: splice acceptor variant.
Genome position (GRCh38, 1-based): chr15:40,185,549, A>T. VCF-style: chr15-40185549-A-T. GRCh37 (hg19) VCF-style: chr15-40477750-A-T.
Identifiers: ClinVar variation 863360 (VCV000863360.8), dbSNP rs2037350060, ClinGen allele CA391684981.